The following is an entry in ClinVar:

ClinVar aggregate classification (germline): Uncertain significance (1 of 4 stars; one submission).

Conditions:
Cardiovascular phenotype. Identifiers: MedGen CN230736.

gnomAD v4.1: 2 of 1,613,098 alleles (0.00012%); highest among the groups gnomAD compares: Non-Finnish European, 0.00017%; no homozygotes.

Submission:

Ambry Genetics
Classification: Uncertain significance for Cardiovascular phenotype. Last evaluated: 2025-06-20. Review status: criteria provided, single submitter. Criteria: Ambry Variant Classification Scheme 2023. Collection method: clinical testing. Allele origin: germline.
Comment: The p.I287F variant (also known as c.859A>T), located in coding exon 4 of the RASA1 gene, results from an A to T substitution at nucleotide position 859. The isoleucine at codon 287 is replaced by phenylalanine, an amino acid with highly similar properties. This amino acid position is conserved. In addition, the in silico prediction for this alteration is inconclusive. Based on the available evidence, the clinical significance of this variant remains unclear.

NM_002890.3(RASA1):c.859A>T (p.Ile287Phe)

Genes: CCNH (cyclin H; minus strand), RASA1 (RAS p21 protein activator 1; plus strand). Cytogenetic location: 5q14.3.
Variant type: single nucleotide variant.
Coding change: c.859A>T on transcript NM_002890.3 (MANE Select); coding-DNA position 859, A replaced by T.
Protein change: p.Ile287Phe; replaces isoleucine 287 with phenylalanine.
Molecular consequence: missense variant. On other transcripts: intron variant (1).
Genome position (GRCh38, 1-based): chr5:87,333,297, A>T. VCF-style: chr5-87333297-A-T. GRCh37 (hg19) VCF-style: chr5-86629114-A-T.
Other names: c.328A>T, p.Ile110Phe (NM_022650.3); c.934-20502T>A (NM_001364075.2); short protein forms I110F, I287F.
Identifiers: ClinVar variation 4150715 (VCV004150715.1).